The following is an entry in ClinVar:

NM_001370658.1(BTD):c.1292_1293del (p.Gly431fs)

Gene: BTD (biotinidase; plus strand). Cytogenetic location: 3p25.1.
Variant type: Deletion.
Coding change: c.1292_1293del on transcript NM_001370658.1 (MANE Select); coding-DNA positions 1292 to 1293, 2 bases deleted (GC; older notation c.1292_1293delGC).
Protein change: p.Gly431fs; shifts the reading frame from glycine 431.
Molecular consequence: frameshift variant. On other transcripts: intron variant (8).
Genome position (GRCh38, 1-based): chr3:15,645,208-15,645,209, GC deleted. VCF-style (leftmost placement, unchanged base first): chr3-15645207-GGC-G. GRCh37 (hg19) VCF-style: chr3-15686714-GGC-G.
Other names: c.1292_1293del, p.Gly431fs (NM_001281723.4, NM_001281724.3, NM_001281725.3 and 16 more transcripts); c.1015+277_1015+278del (NM_001370752.1, NM_001407379.1); c.399+3151_399+3152del (NM_001370753.1, NM_001407400.1, NM_001407380.1 and 3 more transcripts); c.1352_1353del (NM_000060.4); short protein forms G431fs.
Identifiers: ClinVar variation 558367 (VCV000558367.10), dbSNP rs1553654142, ClinGen allele CA658761180.

ClinVar aggregate classification (germline): Pathogenic. Review status: criteria provided, multiple submitters, no conflicts (2 of 4 stars). 3 submissions from 3 submitters: Pathogenic (2). 1 of the submissions does not count toward it. Last evaluated 2024-05-15.

Conditions:
Biotinidase deficiency. Also called: BTD deficiency; Late-onset biotin-responsive multiple carboxylase deficiency; Biotin deficiency. Identifiers: Orphanet 79241, MedGen C0220754, MONDO:0009665, OMIM 253260.

Submissions (3):

Labcorp Genetics (formerly Invitae), Labcorp
Classification: Pathogenic for Biotinidase deficiency. Last evaluated: 2024-05-15. Review status: criteria provided, single submitter. Criteria: Invitae Variant Classification Sherloc (09022015). Collection method: clinical testing. Allele origin: germline.
Comment: This sequence change creates a premature translational stop signal (p.Gly451Aspfs*32) in the BTD gene. While this is not anticipated to result in nonsense mediated decay, it is expected to disrupt the last 93 amino acid(s) of the BTD protein. This variant is not present in population databases (gnomAD no frequency). This premature translational stop signal has been observed in individual(s) with biotinidase deficiency (PMID: 26810761). ClinVar contains an entry for this variant (Variation ID: 558367). This variant disrupts a region of the BTD protein in which other variant(s) (p.Asp543Glu) have been determined to be pathogenic (PMID: 25174816, 25967232, 28498829). This suggests that this is a clinically significant region of the protein, and that variants that disrupt it are likely to be disease-causing. For these reasons, this variant has been classified as Pathogenic.

Baylor Genetics
Classification: Pathogenic for Biotinidase deficiency. Last evaluated: 2023-07-08. Review status: criteria provided, single submitter. Criteria: ACMG Guidelines, 2015. Collection method: clinical testing. Allele origin: unknown.

Counsyl
Classification: Likely pathogenic for Biotinidase deficiency. Last evaluated: 2018-05-16. Review status: no assertion criteria provided. Collection method: clinical testing. Allele origin: unknown. Not counted in ClinVar's aggregate classification.

Literature cited by the submitters: PubMed 26810761 (cited by Labcorp Genetics (formerly Invitae), Labcorp and Counsyl); PubMed 25174816 (cited by Labcorp Genetics (formerly Invitae), Labcorp); PubMed 25967232 (cited by Labcorp Genetics (formerly Invitae), Labcorp); PubMed 28498829 (cited by Labcorp Genetics (formerly Invitae), Labcorp).